The following is an entry in ClinVar:

ClinVar aggregate classification (germline): Uncertain significance (1 of 4 stars; one submission).

Conditions:
Gorlin syndrome. Also called: Nevoid Basal Cell Carcinoma Syndrome; Basal cell nevus syndrome. Identifiers: Orphanet 377, MedGen C0004779, MONDO:0007187.

Submission:

Labcorp Genetics (formerly Invitae), Labcorp
Classification: Uncertain significance for Gorlin syndrome. Last evaluated: 2024-07-30. Review status: criteria provided, single submitter. Criteria: Invitae Variant Classification Sherloc (09022015). Collection method: clinical testing. Allele origin: germline.
Comment: This sequence change replaces tryptophan, which is neutral and slightly polar, with leucine, which is neutral and non-polar, at codon 1339 of the PTCH1 protein (p.Trp1339Leu). This variant is not present in population databases (gnomAD no frequency). This variant has not been reported in the literature in individuals affected with PTCH1-related conditions. Advanced modeling of protein sequence and biophysical properties (such as structural, functional, and spatial information, amino acid conservation, physicochemical variation, residue mobility, and thermodynamic stability) performed at Invitae indicates that this missense variant is not expected to disrupt PTCH1 protein function with a negative predictive value of 95%. In summary, the available evidence is currently insufficient to determine the role of this variant in disease. Therefore, it has been classified as a Variant of Uncertain Significance.

NM_000264.5(PTCH1):c.4016G>T (p.Trp1339Leu)

Gene: PTCH1 (patched 1; minus strand). Cytogenetic location: 9q22.32.
Variant type: single nucleotide variant.
Coding change: c.4016G>T on transcript NM_000264.5 (MANE Select); coding-DNA position 4016, G replaced by T.
Protein change: p.Trp1339Leu; replaces tryptophan 1339 with leucine.
Molecular consequence: missense variant. On other transcripts: non-coding transcript variant (1).
Genome position (GRCh38, 1-based): chr9:95,447,240, C>A on the plus strand (G>T on the coding strand, the complement: PTCH1 is on the minus strand). VCF-style: chr9-95447240-C-A. GRCh37 (hg19) VCF-style: chr9-98209522-C-A.
Other names: c.3818G>T, p.Trp1273Leu (NM_001083602.3); c.4013G>T, p.Trp1338Leu (NM_001083603.3); c.3563G>T, p.Trp1188Leu (NM_001083604.3, NM_001083605.3, NM_001083606.3 and 1 more transcripts); c.3860G>T, p.Trp1287Leu (NM_001354918.2); short protein forms W1338L, W1273L, W1287L, W1188L, W1339L.
Identifiers: ClinVar variation 3635830 (VCV003635830.2).